The following is an entry in ClinVar:

NM_022089.4(ATP13A2):c.3145G>A (p.Val1049Met)

Gene: ATP13A2 (ATPase cation transporting 13A2; minus strand). Cytogenetic location: 1p36.13.
Variant type: single nucleotide variant.
Coding change: c.3145G>A on transcript NM_022089.4 (MANE Select); coding-DNA position 3145, G replaced by A.
Protein change: p.Val1049Met; replaces valine 1049 with methionine.
Molecular consequence: missense variant.
Genome position (GRCh38, 1-based): chr1:16,986,895, C>T on the plus strand (G>A on the coding strand, the complement: ATP13A2 is on the minus strand). VCF-style: chr1-16986895-C-T. GRCh37 (hg19) VCF-style: chr1-17313390-C-T.
Other names: c.3130G>A, p.Val1044Met (NM_001141973.3); c.3013G>A, p.Val1005Met (NM_001141974.3); short protein forms V1049M, V1044M, V1005M.
Identifiers: ClinVar variation 588656 (VCV000588656.11), dbSNP rs750963832, ClinGen allele CA636589.

ClinVar aggregate classification (germline): Uncertain significance. Review status: criteria provided, multiple submitters, no conflicts (2 of 4 stars). 2 submissions from 2 submitters: Uncertain significance (2). Last evaluated 2025-03-27.

Conditions:
Kufor-Rakeb syndrome (KRS). Also called: PARKINSON DISEASE 9, AUTOSOMAL RECESSIVE, JUVENILE-ONSET. Identifiers: Orphanet 306674, Orphanet 314632, MedGen C1847640, MONDO:0011706, OMIM 606693.
Autosomal recessive spastic paraplegia type 78. Identifiers: Orphanet 513436, MedGen C5567893, MONDO:0014975, OMIM 617225.
Inborn genetic diseases. Identifiers: MedGen C0950123, MeSH D030342.

Allele frequency attached by ClinVar (database versions not stated): gnomAD 0.00001 and 0.00002; ExAC 0.00002; gnomAD exomes 0.00002; TOPMed 0.00002.

Submissions (2):

Ambry Genetics
Classification: Uncertain significance for Inborn genetic diseases. Last evaluated: 2025-03-27. Review status: criteria provided, single submitter. Criteria: Ambry Variant Classification Scheme 2023. Collection method: clinical testing. Allele origin: germline.

Labcorp Genetics (formerly Invitae), Labcorp
Classification: Uncertain significance for Kufor-Rakeb syndrome; Autosomal recessive spastic paraplegia type 78. Last evaluated: 2022-03-15. Review status: criteria provided, single submitter. Criteria: Invitae Variant Classification Sherloc (09022015). Collection method: clinical testing. Allele origin: germline.
Comment: In summary, the available evidence is currently insufficient to determine the role of this variant in disease. Therefore, it has been classified as a Variant of Uncertain Significance. Advanced modeling of protein sequence and biophysical properties (such as structural, functional, and spatial information, amino acid conservation, physicochemical variation, residue mobility, and thermodynamic stability) performed at Invitae indicates that this missense variant is not expected to disrupt ATP13A2 protein function. ClinVar contains an entry for this variant (Variation ID: 588656). This variant has not been reported in the literature in individuals affected with ATP13A2-related conditions. This variant is present in population databases (rs750963832, gnomAD 0.01%). This sequence change replaces valine, which is neutral and non-polar, with methionine, which is neutral and non-polar, at codon 1049 of the ATP13A2 protein (p.Val1049Met).